The following is an entry in ClinVar:

ClinVar aggregate classification (germline): Uncertain significance. Review status: criteria provided, multiple submitters, no conflicts (2 of 4 stars). 2 submissions from 2 submitters: Uncertain significance (2). Last evaluated 2024-02-15.

Conditions:
Hereditary cancer-predisposing syndrome. Also called: Neoplastic Syndromes, Hereditary; Hereditary Cancer Syndrome; Hereditary neoplastic syndrome; Tumor predisposition. Identifiers: Orphanet 140162, MedGen C0027672, MeSH D009386, MONDO:0015356.

gnomAD v4.1: 5 of 1,612,310 alleles (0.00031%); highest among the groups gnomAD compares: Non-Finnish European, 0.00042%; no homozygotes.

Submissions (2):

Labcorp Genetics (formerly Invitae), Labcorp
Classification: Uncertain significance. Last evaluated: 2024-02-15. Review status: criteria provided, single submitter. Criteria: Invitae Variant Classification Sherloc (09022015). Collection method: clinical testing. Allele origin: germline.
Comment: This sequence change replaces tryptophan, which is neutral and slightly polar, with arginine, which is basic and polar, at codon 1279 of the POLE protein (p.Trp1279Arg). This variant is not present in population databases (gnomAD no frequency). This variant has not been reported in the literature in individuals affected with POLE-related conditions. ClinVar contains an entry for this variant (Variation ID: 2045722). Advanced modeling of protein sequence and biophysical properties (such as structural, functional, and spatial information, amino acid conservation, physicochemical variation, residue mobility, and thermodynamic stability) performed at Invitae indicates that this missense variant is expected to disrupt POLE protein function with a positive predictive value of 80%. In summary, the available evidence is currently insufficient to determine the role of this variant in disease. Therefore, it has been classified as a Variant of Uncertain Significance.

Ambry Genetics
Classification: Uncertain significance for Hereditary cancer-predisposing syndrome. Last evaluated: 2023-03-19. Review status: criteria provided, single submitter. Criteria: Ambry Variant Classification Scheme 2023. Collection method: clinical testing. Allele origin: germline.
Comment: The p.W1279R variant (also known as c.3835T>A), located in coding exon 31 of the POLE gene, results from a T to A substitution at nucleotide position 3835. The tryptophan at codon 1279 is replaced by arginine, an amino acid with dissimilar properties. This amino acid position is conserved. In addition, this alteration is predicted to be deleterious by in silico analysis. Since supporting evidence is limited at this time, the clinical significance of this alteration remains unclear.

NM_006231.4(POLE):c.3835T>A (p.Trp1279Arg)

Gene: POLE (DNA polymerase epsilon, catalytic subunit; minus strand). Cytogenetic location: 12q24.33.
Variant type: single nucleotide variant.
Coding change: c.3835T>A on transcript NM_006231.4 (MANE Select); coding-DNA position 3835, T replaced by A.
Protein change: p.Trp1279Arg; replaces tryptophan 1279 with arginine.
Molecular consequence: missense variant.
Genome position (GRCh38, 1-based): chr12:132,649,476, A>T on the plus strand (T>A on the coding strand, the complement: POLE is on the minus strand). VCF-style: chr12-132649476-A-T. GRCh37 (hg19) VCF-style: chr12-133226062-A-T.
Other names: c.3835T>A (NM_006231.2); short protein forms W1279R.
Identifiers: ClinVar variation 2045722 (VCV002045722.6), dbSNP rs2138609531, ClinGen allele CA387385516.